The following is an entry in ClinVar:

ClinVar aggregate classification (germline): Uncertain significance (1 of 4 stars; one submission).

Conditions:
Primary ciliary dyskinesia. Also called: Ciliary dyskinesia. Identifiers: Orphanet 244, MedGen C0008780, MONDO:0016575, HP:0012265.

Allele frequency attached by ClinVar (database versions not stated): gnomAD 0.00001; gnomAD exomes 0.00001; ExAC 0.00002; TOPMed 0.00004; 1000 Genomes Project 30x 0.00021; 1000 Genomes Project 0.00026.
gnomAD v4.1: 7 of 1,206,833 alleles (0.00058%); highest among the groups gnomAD compares: Admixed American, 0.015%; no homozygotes.

Submission:

Labcorp Genetics (formerly Invitae), Labcorp
Classification: Uncertain significance for Primary ciliary dyskinesia. Last evaluated: 2025-11-22. Review status: criteria provided, single submitter. Criteria: Invitae Variant Classification Sherloc (09022015). Collection method: clinical testing. Allele origin: germline.
Comment: This sequence change falls in intron 14 of the RPGR gene. It does not directly change the encoded amino acid sequence of the RPGR protein. This variant is present in population databases (rs200174242, gnomAD 0.02%). This variant has not been reported in the literature in individuals affected with RPGR-related conditions. ClinVar contains an entry for this variant (Variation ID: 2721894). Algorithms developed to predict the effect of sequence changes on RNA splicing suggest that this variant may disrupt the consensus splice site. In summary, the available evidence is currently insufficient to determine the role of this variant in disease. Therefore, it has been classified as a Variant of Uncertain Significance.

NM_001034853.2(RPGR):c.1754-7T>G

Gene: RPGR (retinitis pigmentosa GTPase regulator; minus strand). Cytogenetic location: Xp11.4.
Variant type: single nucleotide variant.
Coding change: c.1754-7T>G on transcript NM_001034853.2 (MANE Select); 7 bases into the intron before coding-DNA position 1754, T replaced by G.
Molecular consequence: intron variant.
Genome position (GRCh38, 1-based): chrX:38,287,252, A>C on the plus strand (T>G on the coding strand, the complement: RPGR is on the minus strand). VCF-style: chrX-38287252-A-C. GRCh37 (hg19) VCF-style: chrX-38146505-A-C.
Other names: c.1569+3707T>G (NM_001367249.1, NM_001367250.1); c.1751-7T>G (NM_001367245.1); c.1386+3707T>G (NM_001367251.1); c.1568-7T>G (NM_001367246.1); c.1572+3707T>G (NM_001367247.1); c.1754-7T>G (NM_000328.3); c.1602+3707T>G (NM_001367248.1).
Identifiers: ClinVar variation 2721894 (VCV002721894.3), dbSNP rs200174242, ClinGen allele CA10385332.